The following is an entry in ClinVar:

NM_015512.5(DNAH1):c.6974G>T (p.Arg2325Leu)

Gene: DNAH1 (dynein axonemal heavy chain 1; plus strand). Cytogenetic location: 3p21.1.
Variant type: single nucleotide variant.
Coding change: c.6974G>T on transcript NM_015512.5 (MANE Select); coding-DNA position 6974, G replaced by T.
Protein change: p.Arg2325Leu; replaces arginine 2325 with leucine.
Molecular consequence: missense variant.
Genome position (GRCh38, 1-based): chr3:52,373,042, G>T. VCF-style: chr3-52373042-G-T. GRCh37 (hg19) VCF-style: chr3-52407058-G-T.
Other names: short protein forms R2325L.
Identifiers: ClinVar variation 644554 (VCV000644554.2), dbSNP rs777773562, ClinGen allele CA2434704.

ClinVar aggregate classification (germline): Uncertain significance (1 of 4 stars; one submission).

Conditions:
Spermatogenic failure 18. Identifiers: MedGen C4539783, MONDO:0054615, OMIM 617576.
Ciliary dyskinesia, primary, 37 (CILD37). Also called: CILIARY DYSKINESIA, PRIMARY, 37, WITH OR WITHOUT SITUS INVERSUS. Identifiers: MedGen C4539798, MONDO:0033204, OMIM 617577.

Allele frequency attached by ClinVar (database versions not stated): gnomAD exomes 0.00004.
gnomAD v4.1: 75 of 1,611,190 alleles (0.0047%); highest among the groups gnomAD compares: Non-Finnish European, 0.0059%; no homozygotes.

Submission:

Labcorp Genetics (formerly Invitae), Labcorp
Classification: Uncertain significance for Ciliary dyskinesia, primary, 37; Spermatogenic failure 18. Last evaluated: 2019-03-12. Review status: criteria provided, single submitter. Criteria: Invitae Variant Classification Sherloc (09022015). Collection method: clinical testing. Allele origin: germline.
Comment: This sequence change replaces arginine with leucine at codon 2325 of the DNAH1 protein (p.Arg2325Leu). The arginine residue is moderately conserved and there is a moderate physicochemical difference between arginine and leucine. This variant is present in population databases (rs777773562, ExAC 0.008%). This variant has not been reported in the literature in individuals with DNAH1-related disease. Algorithms developed to predict the effect of missense changes on protein structure and function are either unavailable or do not agree on the potential impact of this missense change (SIFT: "Deleterious"; PolyPhen-2: "Possibly Damaging"; Align-GVGD: "Class C0"). In summary, the available evidence is currently insufficient to determine the role of this variant in disease. Therefore, it has been classified as a Variant of Uncertain Significance.